The following is an entry in ClinVar:

NM_001364905.1(LRBA):c.7009C>T (p.Arg2337Ter)

Gene: LRBA (LPS responsive beige-like anchor protein; minus strand). Cytogenetic location: 4q31.3.
Variant type: single nucleotide variant.
Coding change: c.7009C>T on transcript NM_001364905.1 (MANE Select); coding-DNA position 7009, C replaced by T.
Protein change: p.Arg2337Ter; replaces arginine 2337 with a stop codon.
Molecular consequence: nonsense.
Genome position (GRCh38, 1-based): chr4:150,435,621, G>A on the plus strand (C>T on the coding strand, the complement: LRBA is on the minus strand). VCF-style: chr4-150435621-G-A. GRCh37 (hg19) VCF-style: chr4-151356773-G-A.
Other names: c.7009C>T, p.Arg2337Ter (NM_001199282.3, NM_001367550.1); c.7042C>T, p.Arg2348Ter (NM_006726.5); short protein forms R2337*, R2348*.
Identifiers: ClinVar variation 1176175 (VCV001176175.44), dbSNP rs1268711491, ClinGen allele CA358600059.
Genomic context (GRCh38, chr4:150,435,621, plus strand): 5'-ACAACTATAAAACAAAACATTTCTGTACCTTAATATCAGAGGTATCACGCTGACTGTTTC[G>A]CCAAGCTCTGGAAATTGATGAAAAAGTTCGATCTGCATGATCAAATTTGCCTCCTTGCAA-3'

ClinVar aggregate classification (germline): Pathogenic. Review status: criteria provided, multiple submitters, no conflicts (2 of 4 stars). 4 submissions from 4 submitters: Pathogenic (4). Last evaluated 2024-11-08.

Conditions:
LRBA-related disorder. Also called: LRBA-related condition.
Combined immunodeficiency due to LRBA deficiency. Also called: Common variable immunodeficiency 8, with autoimmunity. Identifiers: Orphanet 445018, MedGen C3553512, MONDO:0013863, OMIM 614700.

Allele frequency attached by ClinVar (database versions not stated): gnomAD exomes below 0.00001; gnomAD 0.00001.
gnomAD v4.1: 5 of 1,612,214 alleles (0.00031%); highest among the groups gnomAD compares: East Asian, 0.0022%; no homozygotes.

Submissions (4):

Blueprint Genetics
Classification: Pathogenic for LRBA-related disorders. Last evaluated: 2024-11-08. Review status: criteria provided, single submitter. Criteria: ACMG Guidelines, 2015. Collection method: clinical testing. Allele origin: germline. Affected: yes. Observed: 3 variant alleles.

Labcorp Genetics (formerly Invitae), Labcorp
Classification: Pathogenic for Combined immunodeficiency due to LRBA deficiency. Last evaluated: 2024-10-22. Review status: criteria provided, single submitter. Criteria: Invitae Variant Classification Sherloc (09022015). Collection method: clinical testing. Allele origin: germline.
Comment: This sequence change creates a premature translational stop signal (p.Arg2348*) in the LRBA gene. It is expected to result in an absent or disrupted protein product. Loss-of-function variants in LRBA are known to be pathogenic (PMID: 26206937, 26768763). This variant is present in population databases (no rsID available, gnomAD 0.01%). This premature translational stop signal has been observed in individual(s) with LRBA deficiency (PMID: 28473463, 31432443). ClinVar contains an entry for this variant (Variation ID: 1176175). For these reasons, this variant has been classified as Pathogenic.

Fulgent Genetics
Classification: Pathogenic for Combined immunodeficiency due to LRBA deficiency. Last evaluated: 2024-06-04. Review status: criteria provided, single submitter. Criteria: ACMG Guidelines, 2015. Collection method: clinical testing. Allele origin: germline.

CeGaT Center for Human Genetics Tuebingen
Classification: Pathogenic. Last evaluated: 2021-03-01. Review status: criteria provided, single submitter. Criteria: CeGaT Center For Human Genetics Tuebingen Variant Classification Criteria Version 2. Collection method: clinical testing. Allele origin: germline. Affected: yes. Observed: 1 variant allele.

Literature cited by the submitters: PubMed 26206937 (cited by Labcorp Genetics (formerly Invitae), Labcorp); PubMed 26768763 (cited by Labcorp Genetics (formerly Invitae), Labcorp); PubMed 28473463 (cited by Labcorp Genetics (formerly Invitae), Labcorp); PubMed 31432443 (cited by Labcorp Genetics (formerly Invitae), Labcorp).